The following is an entry in ClinVar:

NM_014712.3(SETD1A):c.1831C>T (p.Pro611Ser)

Gene: SETD1A (SET domain containing 1A, histone lysine methyltransferase; plus strand). Cytogenetic location: 16p11.2.
Variant type: single nucleotide variant.
Coding change: c.1831C>T on transcript NM_014712.3 (MANE Select); coding-DNA position 1831, C replaced by T.
Protein change: p.Pro611Ser; replaces proline 611 with serine.
Molecular consequence: missense variant.
Genome position (GRCh38, 1-based): chr16:30,965,712, C>T. VCF-style: chr16-30965712-C-T. GRCh37 (hg19) VCF-style: chr16-30977033-C-T.
Other names: short protein forms P611S.
Identifiers: ClinVar variation 2498657 (VCV002498657.28), dbSNP rs2543860046, ClinGen allele CA395656265.

ClinVar aggregate classification (germline): Uncertain significance (1 of 4 stars; one submission).

Submission:

CeGaT Center for Human Genetics Tuebingen
Classification: Uncertain significance. Last evaluated: 2023-01-01. Review status: criteria provided, single submitter. Criteria: CeGaT Center For Human Genetics Tuebingen Variant Classification Criteria Version 2. Collection method: clinical testing. Allele origin: germline. Affected: yes. Observed: 1 variant allele.
Comment: SETD1A: PM2